The following is an entry in ClinVar:

NM_000330.4(RS1):c.97del (p.Trp33fs)

Gene: RS1 (retinoschisin 1; minus strand). Cytogenetic location: Xp22.13.
Variant type: Deletion.
Coding change: c.97del on transcript NM_000330.4 (MANE Select); coding-DNA position 97, one base deleted (T; older notation c.97delT).
Protein change: p.Trp33fs; shifts the reading frame from tryptophan 33.
Molecular consequence: frameshift variant.
Genome position (GRCh38, 1-based): chrX:18,656,740, A deleted on the plus strand (T on the coding strand, the reverse complement: RS1 is on the minus strand). VCF-style (leftmost placement, unchanged base first): chrX-18656739-CA-C. GRCh37 (hg19) VCF-style: chrX-18674859-CA-C.
Other names: NM_000330.4(RS1):c.97del; p.Trp33fs; short protein forms W33fs.
Identifiers: ClinVar variation 2138482 (VCV002138482.8), dbSNP rs2518937907, ClinGen allele CA2580100417.
Genomic context (GRCh38, chrX:18,656,739, plus strand): 5'-CCTGCAGACCACAGAGCATTGGGTCCTCCTTGGCAATCGCACTTGCATGCTTTTTGGTAC[CA>C]GGGGTCCTCGCCTTCATCCTGCAGCCAACCAGAGAGGCAGGGCAGAAAAGTCACGGTCAA-3'

ClinVar aggregate classification (germline): Pathogenic. Review status: reviewed by expert panel (3 of 4 stars). 5 submissions from 5 submitters: Pathogenic (1). 4 of the submissions do not count toward it. Last evaluated 2026-09-26.

Conditions:
RS1-related disorder. Also called: RS1-related condition.
Retinal dystrophy. Also called: Inherited retinal dystrophy. Identifiers: Orphanet 71862, MedGen C0854723, MeSH D058499, MONDO:0019118, HP:0000556.
Juvenile retinoschisis (RS1). Also called: X-linked retinoschisis; X-Linked Juvenile Retinoschisis. Identifiers: Orphanet 792, MedGen C3714753, MONDO:0010725, OMIM 312700.

Submissions (5):

ClinGen X-linked Inherited Retinal Disease Variant Curation Expert Panel, ClinGen
Classification: Pathogenic for Juvenile retinoschisis. Last evaluated: 2026-09-26. Review status: reviewed by expert panel. Criteria: ClinGen X LinkedIRD ACMG Specifications RS1 V1.0.0. Collection method: curation. Allele origin: germline. Inheritance: X-linked inheritance.
Comment: NM_000330.4(RS1):c.97del (p.Trp33GlyfsTer?) is a frameshift variant caused by a one-nucleotide deletion, which introduces a premature stop codon in exon 3 of 6 and is predicted to trigger nonsense-mediated decay (PVS1). This variant is absent from hemizygous individuals in gnomAD v4.1.0 (PM2_Supporting). At least one proband harboring this variant exhibits a phenotype that includes the appearance of schisis and reduced visual acuity before age 13 years, which together are specific for X-linked retinoschisis (PMID: 24529551, PP4). This variant has been reported in at least 4 apparently unrelated probands meeting one of the PS4 requirements of a male diagnosed with X-linked retinoschisis (PMIDs: 29739629, 31429209, 33124204, 35456481, PS4_Moderate). The variant has been reported to segregate with retinal dystrophy through >3 meioses in one family (PP1_Strong; PMID: 24529551). In summary, this variant is classified as pathogenic for X-linked retinoschisis based on the ClinGen X-linked Inherited Retinal Disease Expert Panel Specifications to the ACMG/AMP Variant Interpretation Guidelines for RS1 Version 1.0.0: PM2_Supporting, PVS1, PP4, PS4_Moderate, and PP1_Strong.

Labcorp Genetics (formerly Invitae), Labcorp
Classification: Pathogenic. Last evaluated: 2025-06-25. Review status: criteria provided, single submitter. Criteria: Invitae Variant Classification Sherloc (09022015). Collection method: clinical testing. Allele origin: germline. Not counted in ClinVar's aggregate classification.
Comment: This sequence change creates a premature translational stop signal (p.Trp33Glyfs*93) in the RS1 gene. It is expected to result in an absent or disrupted protein product. Loss-of-function variants in RS1 are known to be pathogenic (PMID: 9618178, 17172462). This variant is not present in population databases (gnomAD no frequency). This premature translational stop signal has been observed in individual(s) with retinoschisis (PMID: 24529551). ClinVar contains an entry for this variant (Variation ID: 2138482). For these reasons, this variant has been classified as Pathogenic.

Fulgent Genetics
Classification: Pathogenic for Juvenile retinoschisis. Last evaluated: 2024-04-11. Review status: criteria provided, single submitter. Criteria: ACMG Guidelines, 2015. Collection method: clinical testing. Allele origin: germline. Not counted in ClinVar's aggregate classification.

Blueprint Genetics
Classification: Pathogenic for RS1-related disorders. Last evaluated: 2022-03-29. Review status: criteria provided, single submitter. Criteria: ACMG Guidelines, 2015. Collection method: clinical testing. Allele origin: germline. Affected: yes. Observed: 2 variant alleles. Not counted in ClinVar's aggregate classification.

Institute of Human Genetics, Univ. Regensburg, Univ. Regensburg
Classification: Pathogenic for Retinal dystrophy. Last evaluated: 2018-01-01. Review status: criteria provided, single submitter. Criteria: ACMG Guidelines, 2015. Collection method: clinical testing. Allele origin: germline. Affected: yes. Not counted in ClinVar's aggregate classification.

Literature cited by the submitters: PubMed 9618178 (cited by Labcorp Genetics (formerly Invitae), Labcorp); PubMed 17172462 (cited by Labcorp Genetics (formerly Invitae), Labcorp); PubMed 24529551 (cited by Labcorp Genetics (formerly Invitae), Labcorp and Institute of Human Genetics, Univ. Regensburg, Univ. Regensburg); PubMed 22039241 (cited by Institute of Human Genetics, Univ. Regensburg, Univ. Regensburg); PubMed 35456481 (cited by Institute of Human Genetics, Univ. Regensburg, Univ. Regensburg); PubMed 35189768 (cited by Institute of Human Genetics, Univ. Regensburg, Univ. Regensburg); PubMed 34645606 (cited by Institute of Human Genetics, Univ. Regensburg, Univ. Regensburg).